The following is an entry in ClinVar:

NM_001876.4(CPT1A):c.1907C>T (p.Ala636Val)

Gene: CPT1A (carnitine palmitoyltransferase 1A; minus strand). Cytogenetic location: 11q13.3.
Variant type: single nucleotide variant.
Coding change: c.1907C>T on transcript NM_001876.4 (MANE Select); coding-DNA position 1907, C replaced by T.
Protein change: p.Ala636Val; replaces alanine 636 with valine.
Molecular consequence: missense variant.
Genome position (GRCh38, 1-based): chr11:68,761,656, G>A on the plus strand (C>T on the coding strand, the complement: CPT1A is on the minus strand). VCF-style: chr11-68761656-G-A. GRCh37 (hg19) VCF-style: chr11-68529124-G-A.
Other names: c.1907C>T, p.Ala636Val (NM_001031847.3); short protein forms A636V.
Identifiers: ClinVar variation 856081 (VCV000856081.11), dbSNP rs775438656, ClinGen allele CA6152155.
Genomic context (GRCh38, chr11:68,761,656, plus strand): 5'-TGACGATCGATCCCAGAGCCGGTCATGGCGAGGCGATACATATGCTGATGCTTCTCAGAC[G>A]CCAACTTGAACAACTTCAGCCTCTGTTCCACCTGAGTGACAAAAGGTGGGAAGGACATAT-3'
Protein context (NP_001867.2, residues 626-646): VEQRLKLFKL[Ala636Val]SEKHQHMYRL

ClinVar aggregate classification (germline): Uncertain significance. Review status: criteria provided, single submitter (1 of 4 stars). 2 submissions from 2 submitters: Uncertain significance (1). 1 of the submissions does not count toward it. Last evaluated 2021-08-13.

Conditions:
Carnitine palmitoyl transferase 1A deficiency. Also called: CPT deficiency, hepatic, type IA; Carnitine palmitoyltransferase 1A deficiency; Carnitine palmitoyltransferase type I deficiency; CPT I DEFICIENCY; CPT DEFICIENCY, HEPATIC, TYPE I. Identifiers: Orphanet 156, MedGen C1829703, MONDO:0009705, OMIM 255120.

Allele frequency attached by ClinVar (database versions not stated): gnomAD exomes below 0.00001; ExAC 0.00001.
gnomAD v4.1: 5 of 1,614,112 alleles (0.00031%); highest among the groups gnomAD compares: East Asian, 0.0022%; no homozygotes.

Submissions (2):

Labcorp Genetics (formerly Invitae), Labcorp
Classification: Uncertain significance for Carnitine palmitoyl transferase 1A deficiency. Last evaluated: 2021-08-13. Review status: criteria provided, single submitter. Criteria: Invitae Variant Classification Sherloc (09022015). Collection method: clinical testing. Allele origin: germline.
Comment: This sequence change replaces alanine with valine at codon 636 of the CPT1A protein (p.Ala636Val). The alanine residue is highly conserved and there is a small physicochemical difference between alanine and valine. This variant is present in population databases (rs775438656, ExAC 0.001%). This missense change has been observed in individual(s) with clinical features of CPT1A-related conditions (Invitae). Algorithms developed to predict the effect of missense changes on protein structure and function are either unavailable or do not agree on the potential impact of this missense change (SIFT: "Deleterious"; PolyPhen-2: "Probably Damaging"; Align-GVGD: "Class C0"). In summary, the available evidence is currently insufficient to determine the role of this variant in disease. Therefore, it has been classified as a Variant of Uncertain Significance.

Natera, Inc.
Classification: Uncertain significance for Carnitine palmitoyltransferase type I deficiency. Last evaluated: 2021-05-25. Review status: no assertion criteria provided. Collection method: clinical testing. Allele origin: germline. Not counted in ClinVar's aggregate classification.